The following is an entry in ClinVar:

NM_001267550.2(TTN):c.34412A>T (p.Lys11471Ile)

Gene: TTN (titin; minus strand). Cytogenetic location: 2q31.2.
Variant type: single nucleotide variant.
Coding change: c.34412A>T on transcript NM_001267550.2 (MANE Select); coding-DNA position 34412, A replaced by T.
Protein change: p.Lys11471Ile; replaces lysine 11471 with isoleucine.
Molecular consequence: missense variant. On other transcripts: intron variant (3).
Genome position (GRCh38, 1-based): chr2:178,675,962, T>A on the plus strand (A>T on the coding strand, the complement: TTN is on the minus strand). VCF-style: chr2-178675962-T-A. GRCh37 (hg19) VCF-style: chr2-179540689-T-A.
Other names: c.33374A>T, p.Lys11125Ile (NM_001256850.1); c.30593A>T, p.Lys10198Ile (NM_133378.4); c.13283-33645A>T (NM_003319.4); c.13859-33645A>T (NM_133437.4); c.13658-33645A>T (NM_133432.3); short protein forms K10198I, K11125I, K11471I.
Identifiers: ClinVar variation 681711 (VCV000681711.2), dbSNP rs912864418, ClinGen allele CA60980230.
Genomic context (GRCh38, chr2:178,675,962, plus strand): 5'-TACTTCGGAATAGCAATACCTTTGGCAGGGGGAGCCTCCTCTTTCTTGGGAATGACCACT[T>A]TCTTCTCTGTCACTTTCTTCTTAATTTCAGGCACTTTAAAGACATCATTTCATGATAAGG-3'
Protein context (NP_001254479.2, residues 11461-11481): PEIKKKVTEK[Lys11471Ile]VVIPKKEEAP

ClinVar aggregate classification (germline): Conflicting classifications of pathogenicity. Review status: criteria provided, conflicting classifications (1 of 4 stars). 2 submissions from 2 submitters: Uncertain significance (1); Likely benign (1). Last evaluated 2024-02-12.

Allele frequency attached by ClinVar (database versions not stated): gnomAD 0.00001; gnomAD exomes 0.00001 and below 0.00001.

Submissions (2):

Revvity Omics, Revvity
Classification: Uncertain significance. Last evaluated: 2024-02-12. Review status: criteria provided, single submitter. Criteria: ACMG Guidelines, 2015. Collection method: clinical testing. Allele origin: germline.

GeneDx
Classification: Likely benign. Last evaluated: 2018-04-11. Review status: criteria provided, single submitter. Criteria: GeneDx Variant Classification (06012015). Collection method: clinical testing. Allele origin: germline. Affected: yes.
Comment: This variant is considered likely benign or benign based on one or more of the following criteria: it is a conservative change, it occurs at a poorly conserved position in the protein, it is predicted to be benign by multiple in silico algorithms, and/or has population frequency not consistent with disease.